The following is an entry in ClinVar:

NM_020631.6(PLEKHG5):c.1736dup (p.Glu580fs)

Gene: PLEKHG5 (pleckstrin homology and RhoGEF domain containing G5; minus strand). Cytogenetic location: 1p36.31.
Variant type: Duplication.
Coding change: c.1736dup on transcript NM_020631.6 (MANE Select); coding-DNA position 1736, one base duplicated (C; older notation c.1736dupC).
Protein change: p.Glu580fs; shifts the reading frame from glutamic acid 580.
Molecular consequence: frameshift variant.
Genome position (GRCh38, 1-based): chr1:6,470,300, G duplicated on the plus strand (C on the coding strand, the reverse complement: PLEKHG5 is on the minus strand); the first of 4 consecutive G bases (chr1:6,470,300-6,470,303); duplicating any one gives the same sequence. VCF-style (leftmost placement, unchanged base first): chr1-6470299-C-CG. GRCh37 (hg19) VCF-style: chr1-6530359-C-CG.
Other names: c.1847dup, p.Glu617fs (NM_001042663.3, NM_001265592.2); c.1736dup, p.Glu580fs (NM_001042664.2, NM_001042665.2, NM_001265594.3 and 1 more transcripts); c.1943dup, p.Glu649fs (NM_001265593.2); short protein forms E649fs, E580fs, E617fs.
Identifiers: ClinVar variation 2952449 (VCV002952449.3), dbSNP rs2523146589, ClinGen allele CA2740090581.

ClinVar aggregate classification (germline): Pathogenic (1 of 4 stars; one submission).

Conditions:
Neuronopathy, distal hereditary motor, autosomal recessive 4. Also called: NEUROPATHY, DISTAL HEREDITARY MOTOR, AUTOSOMAL RECESSIVE 4; Autosomal recessive lower motor neuron disease with childhood onset. Identifiers: Orphanet 206580, MedGen C1970211, MONDO:0012608, OMIM 611067.
Charcot-Marie-Tooth disease recessive intermediate C. Also called: CHARCOT-MARIE-TOOTH NEUROPATHY, RECESSIVE INTERMEDIATE C. Identifiers: Orphanet 369867, MedGen C3809309, MONDO:0014154, OMIM 615376.

Submission:

Labcorp Genetics (formerly Invitae), Labcorp
Classification: Pathogenic for Neuronopathy, distal hereditary motor, autosomal recessive 4; Charcot-Marie-Tooth disease recessive intermediate C. Last evaluated: 2023-10-04. Review status: criteria provided, single submitter. Criteria: Invitae Variant Classification Sherloc (09022015). Collection method: clinical testing. Allele origin: germline.
Comment: This sequence change creates a premature translational stop signal (p.Glu580Glyfs*75) in the PLEKHG5 gene. It is expected to result in an absent or disrupted protein product. Loss-of-function variants in PLEKHG5 are known to be pathogenic (PMID: 17564964, 23777631). This variant is not present in population databases (gnomAD no frequency). This variant has not been reported in the literature in individuals affected with PLEKHG5-related conditions. For these reasons, this variant has been classified as Pathogenic.

Literature cited by the submitters: PubMed 17564964; PubMed 23777631.